The following is an entry in ClinVar:

ClinVar aggregate classification (germline): Likely pathogenic (1 of 4 stars; one submission).

Submission:

Dasa
Classification: Likely pathogenic. Last evaluated: 2025-06-30. Review status: criteria provided, single submitter. Criteria: DASA Assertion Criteria. Collection method: clinical testing. Allele origin: germline.
Comment: NM_006593.4(TBR1):c.1153A>G (p.Asn385Asp) is a missense variant that results in the substitution of asparagine with aspartic acid. The affected residue or protein region has prior evidence supporting clinical relevance. Published studies describe this variant in association with related phenotype (PMID: 32005960). Also, this variant is absent from population databases. Computational evidence supports a deleterious effect. Based on the currently available evidence, this variant is classified as likely pathogenic.

Literature cited by the submitters: PubMed 32005960.

NM_006593.4(TBR1):c.1153A>G (p.Asn385Asp)

Gene: TBR1 (T-box brain transcription factor 1; plus strand). Cytogenetic location: 2q24.2.
Variant type: single nucleotide variant.
Coding change: c.1153A>G on transcript NM_006593.4 (MANE Select); coding-DNA position 1153, A replaced by G.
Protein change: p.Asn385Asp; replaces asparagine 385 with aspartic acid.
Molecular consequence: missense variant.
Genome position (GRCh38, 1-based): chr2:161,420,220, A>G. VCF-style: chr2-161420220-A-G. GRCh37 (hg19) VCF-style: chr2-162276731-A-G.
Other names: short protein forms N385D.
Identifiers: ClinVar variation 4856948 (VCV004856948.2).
Genomic context (GRCh38, chr2:161,420,220, plus strand): 5'-AAAGGTGAGATAACATTCATTTTTTTTCTTTGCCAGATTACACAACTGAAAATAGATCAC[A>G]ACCCTTTTGCAAAAGGATTTCGGGATAATTATGACACGTAAGTAACTTTGTATCTTCCTT-3'
Protein context (NP_006584.1, residues 375-395): TDITQLKIDH[Asn385Asp]PFAKGFRDNY